The following is an entry in ClinVar:

ClinVar aggregate classification (germline): Benign/Likely benign. Review status: criteria provided, multiple submitters, no conflicts (2 of 4 stars). 7 submissions from 7 submitters: Benign (6); Likely benign (1). Last evaluated 2026-02-04.

Conditions:
Psoriasis 2. Identifiers: MedGen C1864497, MONDO:0011269, OMIM 602723.
Pityriasis rubra pilaris (PRP). Also called: Pityriasis rubra pilaris--familial type. Identifiers: Orphanet 2897, MedGen C0032027, MONDO:0100017, OMIM 173200, MONDO:0008251.

Allele frequency attached by ClinVar (database versions not stated): ESP Exome Variant Server 0.06551; gnomAD 0.07175 and 0.07618; gnomAD exomes 0.09528; ExAC 0.09748; 1000 Genomes Project 30x 0.09853; 1000 Genomes Project 0.10004.
gnomAD v4.1: 129,464 of 1,613,570 alleles (8%); highest among the groups gnomAD compares: South Asian, 15%; 5,691 homozygotes.

Submissions (7):

Labcorp Genetics (formerly Invitae), Labcorp
Classification: Benign for Pityriasis rubra pilaris; Psoriasis 2. Last evaluated: 2026-02-04. Review status: criteria provided, single submitter. Criteria: Invitae Variant Classification Sherloc (09022015). Collection method: clinical testing. Allele origin: germline.

Women's Health and Genetics/Laboratory Corporation of America, LabCorp
Classification: Benign. Last evaluated: 2026-01-21. Review status: criteria provided, single submitter. Criteria: LabCorp Variant Classification Summary - May 2015. Collection method: clinical testing. Allele origin: germline.

Blueprint Genetics
Classification: Likely benign. Last evaluated: 2024-11-27. Review status: criteria provided, single submitter. Criteria: ACMG Guidelines, 2015. Collection method: clinical testing. Allele origin: germline.

Unidad de Genómica Garrahan, Hospital de Pediatría Garrahan
Classification: Benign. Last evaluated: 2023-11-12. Review status: criteria provided, single submitter. Criteria: ACMG Guidelines, 2015. Collection method: clinical testing. Allele origin: germline. Affected: no. Observed: 24 variant alleles.
Comment: This variant is classified as Benign based on local population frequency. This variant was detected in 25% of patients studied by a panel of primary immunodeficiencies. Number of patients: 24. Only high quality variants are reported.

GeneDx
Classification: Benign. Last evaluated: 2018-07-05. Review status: criteria provided, single submitter. Criteria: GeneDx Variant Classification Process June 2021. Collection method: clinical testing. Allele origin: germline. Affected: yes.

Mayo Clinic Laboratories, Mayo Clinic
Classification: Benign. Last evaluated: 2018-04-30. Review status: criteria provided, single submitter. Criteria: ACMG Guidelines, 2015. Collection method: clinical testing. Allele origin: germline. Observed: 146 variant alleles.

Breakthrough Genomics
Classification: Benign. Review status: criteria provided, single submitter. Criteria: ACMG Guidelines, 2015. Collection method: not provided. Allele origin: germline. Inheritance: Autosomal dominant inheritance. Affected: yes.

NM_001366385.1(CARD14):c.2481C>T (p.Pro827=)

Genes: CARD14 (caspase recruitment domain family member 14; plus strand), SGSH (N-sulfoglucosamine sulfohydrolase; minus strand), LOC126862662 (MED14-independent group 3 enhancer GRCh37_chr17:78178385-78179584; plus strand). Cytogenetic location: 17q25.3.
Variant type: single nucleotide variant.
Coding change: c.2481C>T on transcript NM_001366385.1 (MANE Select); coding-DNA position 2481, C replaced by T.
Protein change: p.Pro827=; no amino-acid change (proline 827 retained).
Molecular consequence: synonymous variant. On other transcripts: non-coding transcript variant (1).
Genome position (GRCh38, 1-based): chr17:80,205,117, C>T. VCF-style: chr17-80205117-C-T. GRCh37 (hg19) VCF-style: chr17-78178916-C-T.
Other names: p.Pro827=; c.2481C>T, p.Pro827= (NM_024110.4).
Identifiers: ClinVar variation 1167400 (VCV001167400.17), dbSNP rs61757652, ClinGen allele CA8817342.
Genomic context (GRCh38, chr17:80,205,117, plus strand): 5'-CGAGAGCTGCCTCACCCTGGTGCCCTATACCCTGGTGCGGCCCCATCGACCCGCCCGGCC[C>T]CGGCCTGTGCTCCTCGTGCCCAGGGCGGTTGGGAAGATCCTGAGCGAGAAACTGTGCCTC-3'
Protein context (NP_001353314.1, residues 817-837): TLVRPHRPAR[Pro827=]RPVLLVPRAV